The following is an entry in ClinVar:

NM_005120.3(MED12):c.3577+9C>A

Gene: MED12 (mediator complex subunit 12; plus strand). Cytogenetic location: Xq13.1.
Variant type: single nucleotide variant.
Coding change: c.3577+9C>A on transcript NM_005120.3 (MANE Select); 9 bases into the intron after coding-DNA position 3577, C replaced by A.
Molecular consequence: intron variant.
Genome position (GRCh38, 1-based): chrX:71,129,224, C>A. VCF-style: chrX-71129224-C-A. GRCh37 (hg19) VCF-style: chrX-70349074-C-A.
Identifiers: ClinVar variation 515045 (VCV000515045.1), dbSNP rs1556336775, ClinGen allele CA658799785.

ClinVar aggregate classification (germline): Likely benign (1 of 4 stars; one submission).

Allele frequency attached by ClinVar (database versions not stated): TOPMed below 0.00001.

Submission:

GeneDx
Classification: Likely benign. Last evaluated: 2018-01-24. Review status: criteria provided, single submitter. Criteria: GeneDx Variant Classification (06012015). Collection method: clinical testing. Allele origin: germline. Affected: yes.
Comment: This variant is considered likely benign or benign based on one or more of the following criteria: it is a conservative change, it occurs at a poorly conserved position in the protein, it is predicted to be benign by multiple in silico algorithms, and/or has population frequency not consistent with disease.